The following is an entry in ClinVar:

ClinVar aggregate classification (germline): Benign. Review status: criteria provided, multiple submitters, no conflicts (2 of 4 stars). 3 submissions from 3 submitters: Benign (2). 1 of the submissions does not count toward it. Last evaluated 2019-12-31.

Conditions:
POLQ-related disorder. Also called: POLQ-related condition.

Allele frequency attached by ClinVar (database versions not stated): gnomAD 0.01763 and 0.01896; gnomAD exomes 0.00199 and 0.00524; ExAC 0.00624; TOPMed 0.02006; ESP Exome Variant Server 0.02208; 1000 Genomes Project 0.01737; 1000 Genomes Project 30x 0.01796.
gnomAD v4.1: 5,678 of 1,573,408 alleles (0.36%); highest among the groups gnomAD compares: African/African-American, 6.2%; 150 homozygotes.

Submissions (3):

Labcorp Genetics (formerly Invitae), Labcorp
Classification: Benign. Last evaluated: 2019-12-31. Review status: criteria provided, single submitter. Criteria: Invitae Variant Classification Sherloc (09022015). Collection method: clinical testing. Allele origin: germline.

Breakthrough Genomics
Classification: Benign. Review status: criteria provided, single submitter. Criteria: ACMG Guidelines, 2015. Collection method: not provided. Allele origin: germline. Inheritance: Unknown mechanism. Affected: yes.

PreventionGenetics, part of Exact Sciences
Classification: Benign for POLQ-related condition. Last evaluated: 2019-05-20. Review status: no assertion criteria provided. Collection method: clinical testing. Allele origin: germline. Not counted in ClinVar's aggregate classification.
Comment: This variant is classified as benign based on ACMG/AMP sequence variant interpretation guidelines (Richards et al. 2015 PMID: 25741868, with internal and published modifications).

NM_199420.4(POLQ):c.2880T>C (p.Asn960=)

Gene: POLQ (DNA polymerase theta; minus strand). Cytogenetic location: 3q13.33.
Variant type: single nucleotide variant.
Coding change: c.2880T>C on transcript NM_199420.4 (MANE Select); coding-DNA position 2880, T replaced by C.
Protein change: p.Asn960=; no amino-acid change (asparagine 960 retained).
Molecular consequence: synonymous variant.
Genome position (GRCh38, 1-based): chr3:121,490,051, A>G on the plus strand (T>C on the coding strand, the complement: POLQ is on the minus strand). VCF-style: chr3-121490051-A-G. GRCh37 (hg19) VCF-style: chr3-121208898-A-G.
Identifiers: ClinVar variation 780405 (VCV000780405.7), dbSNP rs3218641, ClinGen allele CA2563168.